The following is an entry in ClinVar:

ClinVar aggregate classification (germline): Uncertain significance (1 of 4 stars; one submission).

Allele frequency attached by ClinVar (database versions not stated): gnomAD exomes below 0.00001; gnomAD 0.00001; TOPMed 0.00001.
gnomAD v4.1: 8 of 1,611,136 alleles (0.0005%); highest among the groups gnomAD compares: African/African-American, 0.0013%; no homozygotes.

Submission:

Labcorp Genetics (formerly Invitae), Labcorp
Classification: Uncertain significance. Last evaluated: 2024-01-24. Review status: criteria provided, single submitter. Criteria: Invitae Variant Classification Sherloc (09022015). Collection method: clinical testing. Allele origin: germline.
Comment: This sequence change replaces isoleucine, which is neutral and non-polar, with threonine, which is neutral and polar, at codon 801 of the MYSM1 protein (p.Ile801Thr). The frequency data for this variant in the population databases is considered unreliable, as metrics indicate poor data quality at this position in the gnomAD database. This variant has not been reported in the literature in individuals affected with MYSM1-related conditions. Advanced modeling of protein sequence and biophysical properties (such as structural, functional, and spatial information, amino acid conservation, physicochemical variation, residue mobility, and thermodynamic stability) performed at Invitae indicates that this missense variant is expected to disrupt MYSM1 protein function with a positive predictive value of 80%. In summary, the available evidence is currently insufficient to determine the role of this variant in disease. Therefore, it has been classified as a Variant of Uncertain Significance.

NM_001085487.3(MYSM1):c.2402T>C (p.Ile801Thr)

Gene: MYSM1 (Myb like, SWIRM and MPN domains 1; minus strand). Cytogenetic location: 1p32.1.
Variant type: single nucleotide variant.
Coding change: c.2402T>C on transcript NM_001085487.3 (MANE Select); coding-DNA position 2402, T replaced by C.
Protein change: p.Ile801Thr; replaces isoleucine 801 with threonine.
Molecular consequence: missense variant.
Genome position (GRCh38, 1-based): chr1:58,660,082, A>G on the plus strand (T>C on the coding strand, the complement: MYSM1 is on the minus strand). VCF-style: chr1-58660082-A-G. GRCh37 (hg19) VCF-style: chr1-59125754-A-G.
Other names: short protein forms I801T.
Identifiers: ClinVar variation 2882595 (VCV002882595.3), dbSNP rs1474222832, ClinGen allele CA340517565.